The following is an entry in ClinVar:

ClinVar aggregate classification (germline): Benign/Likely benign. Review status: criteria provided, multiple submitters, no conflicts (2 of 4 stars). 3 submissions from 3 submitters: Benign (1); Likely benign (2). Last evaluated 2025-05-10.

Conditions:
Hereditary diffuse gastric adenocarcinoma (HDGC). Also called: DIFFUSE GASTRIC AND LOBULAR BREAST CANCER SYNDROME. Identifiers: Orphanet 26106, MedGen C1708349, MONDO:0007648, OMIM 137215.
Hereditary cancer-predisposing syndrome. Also called: Hereditary neoplastic syndrome; Tumor predisposition; Neoplastic Syndromes, Hereditary; Hereditary Cancer Syndrome. Identifiers: Orphanet 140162, MedGen C0027672, MeSH D009386, MONDO:0015356.

Allele frequency attached by ClinVar (database versions not stated): ESP Exome Variant Server 0.00008.

Submissions (3):

Ambry Genetics
Classification: Likely benign for Hereditary cancer-predisposing syndrome. Last evaluated: 2025-05-10. Review status: criteria provided, single submitter. Criteria: Ambry Variant Classification Scheme 2023. Collection method: clinical testing. Allele origin: germline.

Myriad Genetics, Inc.
Classification: Benign for Hereditary diffuse gastric adenocarcinoma. Last evaluated: 2024-10-09. Review status: criteria provided, single submitter. Criteria: Myriad Autosomal Dominant, Autosomal Recessive and X-Linked Classification Criteria (2023). Collection method: clinical testing. Allele origin: unknown.
Comment: This variant is considered benign. This variant is a silent/synonymous amino acid change and it is not expected to impact splicing.

Labcorp Genetics (formerly Invitae), Labcorp
Classification: Likely benign. Last evaluated: 2023-03-03. Review status: criteria provided, single submitter. Criteria: Invitae Variant Classification Sherloc (09022015). Collection method: clinical testing. Allele origin: germline.

NM_001903.5(CTNNA1):c.441C>T (p.Val147=)

Gene: CTNNA1 (catenin alpha 1; plus strand). Cytogenetic location: 5q31.2.
Variant type: single nucleotide variant.
Coding change: c.441C>T on transcript NM_001903.5 (MANE Select); coding-DNA position 441, C replaced by T.
Protein change: p.Val147=; no amino-acid change (valine 147 retained).
Molecular consequence: synonymous variant.
Genome position (GRCh38, 1-based): chr5:138,810,177, C>T. VCF-style: chr5-138810177-C-T. GRCh37 (hg19) VCF-style: chr5-138145866-C-T.
Other names: c.441C>T (NM_001903.2); c.441C>T, p.Val147= (NM_001290307.3, NM_001323982.2, NM_001323983.1 and 3 more transcripts); c.132C>T, p.Val44= (NM_001290309.3); c.72C>T, p.Val24= (NM_001290310.3).
Identifiers: ClinVar variation 1108590 (VCV001108590.11), dbSNP rs370783100, ClinGen allele CA128219126.